The following is an entry in ClinVar:

ClinVar aggregate classification (germline): Benign. Review status: criteria provided, multiple submitters, no conflicts (2 of 4 stars). 4 submissions from 3 submitters: Benign (4). Last evaluated 2018-08-19.

Conditions:
Severe combined immunodeficiency, autosomal recessive, T cell-negative, B cell-negative, NK cell-positive. Also called: SCID, T CELL-NEGATIVE, B CELL-NEGATIVE, NK CELL-POSITIVE; SCID, AR, T-cell negative, B-cell negative, NK cell-positive; Severe combined immunodeficiency due to complete RAG1/2 deficiency. Identifiers: Orphanet 331206, MedGen C1832322, MONDO:0011086, OMIM 601457.
Histiocytic medullary reticulosis. Also called: SEVERE COMBINED IMMUNODEFICIENCY WITH HYPEREOSINOPHILIA; Omenn syndrome. Identifiers: Orphanet 39041, MedGen C2700553, MONDO:0011338, OMIM 603554.

Allele frequency attached by ClinVar (database versions not stated): gnomAD exomes 0.00298; gnomAD 0.03006; 1000 Genomes Project 0.03335; TOPMed 0.03412; 1000 Genomes Project 30x 0.03623.
gnomAD v4.1: 7,509 of 1,083,714 alleles (0.69%); highest among the groups gnomAD compares: African/African-American, 11%; 358 homozygotes.

Submissions (4):

GeneDx
Classification: Benign. Last evaluated: 2018-08-19. Review status: criteria provided, single submitter. Criteria: GeneDx Variant Classification Process June 2021. Collection method: clinical testing. Allele origin: germline. Affected: yes.

Illumina Laboratory Services, Illumina
Classification: Benign for Histiocytic medullary reticulosis. Last evaluated: 2018-01-13. Review status: criteria provided, single submitter. Criteria: ICSL Variant Classification Criteria 13 December 2019. Collection method: clinical testing. Allele origin: germline.
Comment: This variant was observed in the ICSL laboratory as part of a predisposition screen in an ostensibly healthy population. It had not been previously curated by ICSL or reported in the Human Gene Mutation Database (HGMD: prior to June 1st, 2018), and was therefore a candidate for classification through an automated scoring system. Utilizing variant allele frequency, disease prevalence and penetrance estimates, and inheritance mode, an automated score was calculated to assess if this variant is too frequent to cause the disease. Based on the score and internal cut-off values, a variant classified as benign is not then subjected to further curation. The score for this variant resulted in a classification of benign for this disease.

Illumina Laboratory Services, Illumina
Classification: Benign for Severe combined immunodeficiency, autosomal recessive, T cell-negative, B cell-negative, NK cell-positive. Last evaluated: 2018-01-13. Review status: criteria provided, single submitter. Criteria: ICSL Variant Classification Criteria 13 December 2019. Collection method: clinical testing. Allele origin: germline.
Comment: the same text as in the submission from Illumina Laboratory Services, Illumina above.

Breakthrough Genomics
Classification: Benign. Review status: criteria provided, single submitter. Criteria: ACMG Guidelines, 2015. Collection method: not provided. Allele origin: germline. Inheritance: Autosomal recessive inheritance. Affected: yes.

NM_000536.4(RAG2):c.*144G>T

Gene: RAG2 (recombination activating 2; minus strand). Cytogenetic location: 11p12.
Variant type: single nucleotide variant.
Coding change: c.*144G>T on transcript NM_000536.4 (MANE Select); 144 bases downstream of the stop codon, G replaced by T.
Molecular consequence: 3 prime UTR variant.
Genome position (GRCh38, 1-based): chr11:36,592,441, C>A on the plus strand (G>T on the coding strand, the complement: RAG2 is on the minus strand). VCF-style: chr11-36592441-C-A. GRCh37 (hg19) VCF-style: chr11-36613991-C-A.
Other names: c.*144G>T (NM_001243785.2, NM_001243786.2).
Identifiers: ClinVar variation 304545 (VCV000304545.8), dbSNP rs12280515, ClinGen allele CA10634826.
Genomic context (GRCh38, chr11:36,592,441, plus strand): 5'-AAAATATTTTCAAAATGTATAGGGTCTAGAATGACTTTATTTATCATTGCATTATAAACA[C>A]TTTTTTCTGGCCCTTAATTCATGTAACTAAAAGAAAACATAGGCATTTTAAATAAACAAA-3'